The following is an entry in ClinVar:

NM_004522.3(KIF5C):c.2023+219C>T

Gene: KIF5C (kinesin family member 5C; plus strand). Cytogenetic location: 2q23.1.
Variant type: single nucleotide variant.
Coding change: c.2023+219C>T on transcript NM_004522.3 (MANE Select); 219 bases into the intron after coding-DNA position 2023, C replaced by T.
Molecular consequence: intron variant.
Genome position (GRCh38, 1-based): chr2:148,994,757, C>T. VCF-style: chr2-148994757-C-T. GRCh37 (hg19) VCF-style: chr2-149851271-C-T.
Identifiers: ClinVar variation 677567 (VCV000677567.1), dbSNP rs6434629, ClinGen allele CA57591506.
Genomic context (GRCh38, chr2:148,994,757, plus strand): 5'-TTCTTTCTTTCTTTTTTTTTTTTTAAGATGGAGTCTCGCTCTGTTGCCCAGGCTGAAGTG[C>T]GGTGGCATAATCTCAGTTCACTGCAACCTCCGCTTCCCGGTTCCAGCGATTCTCCTGCCT-3'

ClinVar aggregate classification (germline): Benign (1 of 4 stars; one submission).

Allele frequency attached by ClinVar (database versions not stated): 1000 Genomes Project 0.01677; TOPMed 0.01875; 1000 Genomes Project 30x 0.01999.
gnomAD v4.1: 2,398 of 151,274 alleles (1.6%); highest among the groups gnomAD compares: African/African-American, 5.5%; 61 homozygotes.

Submission:

GeneDx
Classification: Benign. Last evaluated: 2018-06-16. Review status: criteria provided, single submitter. Criteria: GeneDx Variant Classification (06012015). Collection method: clinical testing. Allele origin: germline. Affected: yes.
Comment: This variant is considered likely benign or benign based on one or more of the following criteria: it is a conservative change, it occurs at a poorly conserved position in the protein, it is predicted to be benign by multiple in silico algorithms, and/or has population frequency not consistent with disease.